The following is an entry in ClinVar:

NC_000003.11:g.(?_193354964)_(193361914_?)dup

Gene: OPA1 (OPA1 mitochondrial dynamin like GTPase; plus strand). Cytogenetic location: 3q29.
Variant type: Duplication.
Identifiers: ClinVar variation 1375841 (VCV001375841.4).

ClinVar aggregate classification (germline): Uncertain significance (1 of 4 stars; one submission).

Submission:

Labcorp Genetics (formerly Invitae), Labcorp
Classification: Uncertain significance. Last evaluated: 2021-07-26. Review status: criteria provided, single submitter. Criteria: Invitae Variant Classification Sherloc (09022015). Collection method: clinical testing. Allele origin: germline.
Comment: In summary, the available evidence is currently insufficient to determine the role of this variant in disease. Therefore, it has been classified as a Variant of Uncertain Significance. Experimental studies and prediction algorithms are not available or were not evaluated, and the functional significance of this variant is currently unknown. A similar copy number variant has been observed in individuals with clinical features of OPA1-related conditions (Invitae). This variant results in a copy number gain of the genomic region encompassing exon(s) 8-14 of the OPA1 gene. While the exact position of this variant cannot be determined from the data, sub-genic copy number gains are generally in tandem (PMID: 25640679). This variant is predicted to be in-frame, and likely preserves the integrity of the reading frame.

Literature cited by the submitters: PubMed 25640679.